The following is an entry in ClinVar:

ClinVar aggregate classification (germline): Benign. Review status: criteria provided, multiple submitters, no conflicts (2 of 4 stars). 3 submissions from 3 submitters: Benign (3). Last evaluated 2019-12-31.

Conditions:
Long QT syndrome (LQTS). Identifiers: MedGen C0023976, MeSH D008133, MONDO:0002442. Disease mechanism: loss of function. Inheritance: Various modes of inheritance.

Allele frequency attached by ClinVar (database versions not stated): gnomAD 0.20429 and 0.20837; TOPMed 0.20873; 1000 Genomes Project 30x 0.25281; 1000 Genomes Project 0.25419.
gnomAD v4.1: 217,871 of 1,112,460 alleles (20%); highest among the groups gnomAD compares: East Asian, 36%; 22,681 homozygotes.

Submissions (3):

Labcorp Genetics (formerly Invitae), Labcorp
Classification: Benign for Long QT syndrome. Last evaluated: 2019-12-31. Review status: criteria provided, single submitter. Criteria: Invitae Variant Classification Sherloc (09022015). Collection method: clinical testing. Allele origin: germline.

GeneDx
Classification: Benign. Last evaluated: 2018-06-14. Review status: criteria provided, single submitter. Criteria: GeneDx Variant Classification (06012015). Collection method: clinical testing. Allele origin: germline. Affected: yes.
Comment: This variant is considered likely benign or benign based on one or more of the following criteria: it is a conservative change, it occurs at a poorly conserved position in the protein, it is predicted to be benign by multiple in silico algorithms, and/or has population frequency not consistent with disease.

Breakthrough Genomics
Classification: Benign. Review status: criteria provided, single submitter. Criteria: ACMG Guidelines, 2015. Collection method: not provided. Allele origin: germline. Inheritance: Autosomal dominant inheritance. Affected: yes.

NM_000719.7(CACNA1C):c.3210-132C>T

Gene: CACNA1C (calcium voltage-gated channel subunit alpha1 C; plus strand). Cytogenetic location: 12p13.33.
Variant type: single nucleotide variant.
Coding change: c.3210-132C>T on transcript NM_000719.7 (MANE Select); 132 bases into the intron before coding-DNA position 3210, C replaced by T.
Molecular consequence: intron variant.
Genome position (GRCh38, 1-based): chr12:2,606,852, C>T. VCF-style: chr12-2606852-C-T. GRCh37 (hg19) VCF-style: chr12-2716018-C-T.
Other names: c.3210-132C>T (NM_001167624.3, NM_001167623.2, NM_001167625.2 and 15 more transcripts); c.3270-132C>T (NM_199460.4, NM_001129827.2, NM_001129832.2); c.3201-132C>T (NM_001129844.2).
Identifiers: ClinVar variation 671803 (VCV000671803.6), dbSNP rs123263, ClinGen allele CA13732624.